The following is an entry in ClinVar:

ClinVar aggregate classification (germline): Uncertain significance (0 of 4 stars; one submission).

Conditions:
SEMA3A-related disorder. Also called: SEMA3A-related condition.

gnomAD v4.1: 25 of 1,613,466 alleles (0.0015%); highest among the groups gnomAD compares: Non-Finnish European, 0.0019%; no homozygotes.

Submission:

PreventionGenetics, part of Exact Sciences
Classification: Uncertain significance for SEMA3A-related condition. Last evaluated: 2024-07-05. Review status: no assertion criteria provided. Collection method: clinical testing. Allele origin: germline.
Comment: The SEMA3A c.1547G>A variant is predicted to result in the amino acid substitution p.Arg516Gln. To our knowledge, this variant has not been reported in the literature. This variant is reported in 0.0062% of alleles in individuals of African descent in gnomAD. At this time, the clinical significance of this variant is uncertain due to the absence of conclusive functional and genetic evidence.

NM_006080.3(SEMA3A):c.1547G>A (p.Arg516Gln)

Gene: SEMA3A (semaphorin 3A; minus strand). Cytogenetic location: 7q21.11.
Variant type: single nucleotide variant.
Coding change: c.1547G>A on transcript NM_006080.3 (MANE Select); coding-DNA position 1547, G replaced by A.
Protein change: p.Arg516Gln; replaces arginine 516 with glutamine.
Molecular consequence: missense variant.
Genome position (GRCh38, 1-based): chr7:83,981,426, C>T on the plus strand (G>A on the coding strand, the complement: SEMA3A is on the minus strand). VCF-style: chr7-83981426-C-T. GRCh37 (hg19) VCF-style: chr7-83610742-C-T.
Other names: short protein forms R516Q.
Identifiers: ClinVar variation 3357474 (VCV003357474.1).